The following is an entry in ClinVar:

NM_006015.6(ARID1A):c.4472T>C (p.Val1491Ala)

Gene: ARID1A (AT-rich interaction domain 1A; plus strand). Cytogenetic location: 1p36.11.
Variant type: single nucleotide variant.
Coding change: c.4472T>C on transcript NM_006015.6 (MANE Select); coding-DNA position 4472, T replaced by C.
Protein change: p.Val1491Ala; replaces valine 1491 with alanine.
Molecular consequence: missense variant. On other transcripts: intron variant (1).
Genome position (GRCh38, 1-based): chr1:26,774,699, T>C. VCF-style: chr1-26774699-T-C. GRCh37 (hg19) VCF-style: chr1-27101190-T-C.
Other names: c.4102-281T>C (NM_139135.4); short protein forms V1491A.
Identifiers: ClinVar variation 2443225 (VCV002443225.2), dbSNP rs2124119723, ClinGen allele CA339175748.

ClinVar aggregate classification (germline): Uncertain significance (0 of 4 stars; one submission).

Submission:

Genetic Services Laboratory, University of Chicago
Classification: Uncertain significance. Last evaluated: 2022-08-25. Review status: no assertion criteria provided. Collection method: clinical testing. Allele origin: germline. Affected: no.
Comment: DNA sequence analysis of the ARID1A gene demonstrated a sequence change, c.4472T>C, in exon 18 that results in an amino acid change, p.Val1491Ala. This sequence change does not appear to have been previously described in individuals with ARID1A-related disorders and has also not been described in population databases such as ExAC and gnomAD. The p.Val1491Ala change affects a poorly conserved amino acid residue located in a domain of the ARID1A protein that is not known to be functional. The p.Val1491Ala substitution appears to be benign using several in-silico pathogenicity prediction tools (SIFT, PolyPhen2, Align GVGD, REVEL). Due to insufficient evidences and the lack of functional studies, the clinical significance of the p.Val1491Ala change remains unknown at this time.